The following is an entry in ClinVar:

NM_001329943.3(KIAA0586):c.3144+1G>A

Gene: KIAA0586 (KIAA0586; plus strand). Cytogenetic location: 14q23.1.
Variant type: single nucleotide variant.
Coding change: c.3144+1G>A on transcript NM_001329943.3 (MANE Select); the canonical splice donor site of the intron after coding-DNA position 3144, G replaced by A.
Molecular consequence: splice donor variant.
Genome position (GRCh38, 1-based): chr14:58,482,713, G>A. VCF-style: chr14-58482713-G-A. GRCh37 (hg19) VCF-style: chr14-58949431-G-A.
Other names: c.3303+1G>A (NM_001244189.2); c.3099+1G>A (NM_001244190.2); c.3012+1G>A (NM_001244192.2); c.2889+1G>A (NM_001244191.2, NM_001364701.2, NM_001329945.2 and 1 more transcripts); c.3144+1G>A (NM_001329944.2, NM_001329946.2, NM_001329947.2); c.2916+1G>A (NM_014749.5); c.2724+1G>A (NM_001244193.2).
Identifiers: ClinVar variation 2939645 (VCV002939645.3), dbSNP rs1389086114, ClinGen allele CA389880147.

ClinVar aggregate classification (germline): Likely pathogenic (1 of 4 stars; one submission).

Conditions:
Short-rib thoracic dysplasia 14 with polydactyly (SRTD14). Identifiers: Orphanet 397715, MedGen C4225286, MONDO:0014688, OMIM 616546.
Joubert syndrome 23 (JBTS23). Identifiers: Orphanet 475, MedGen C4084822, MONDO:0014664, OMIM 616490.

Allele frequency attached by ClinVar (database versions not stated): gnomAD exomes 0.00001.
gnomAD v4.1: 7 of 1,543,406 alleles (0.00045%); highest among the groups gnomAD compares: Non-Finnish European, 0.00061%; no homozygotes.

Submission:

Labcorp Genetics (formerly Invitae), Labcorp
Classification: Likely pathogenic for Joubert syndrome 23; Short-rib thoracic dysplasia 14 with polydactyly. Last evaluated: 2023-09-05. Review status: criteria provided, single submitter. Criteria: Invitae Variant Classification Sherloc (09022015). Collection method: clinical testing. Allele origin: germline.
Comment: In summary, the currently available evidence indicates that the variant is pathogenic, but additional data are needed to prove that conclusively. Therefore, this variant has been classified as Likely Pathogenic. Algorithms developed to predict the effect of sequence changes on RNA splicing suggest that this variant may disrupt the consensus splice site. This variant has not been reported in the literature in individuals affected with KIAA0586-related conditions. The frequency data for this variant in the population databases is considered unreliable, as metrics indicate poor data quality at this position in the gnomAD database. This sequence change affects a donor splice site in intron 23 of the KIAA0586 gene. It is expected to disrupt RNA splicing. Variants that disrupt the donor or acceptor splice site typically lead to a loss of protein function (PMID: 16199547), and loss-of-function variants in KIAA0586 are known to be pathogenic (PMID: 26096313, 26166481, 26386044).

Literature cited by the submitters: PubMed 16199547; PubMed 26096313; PubMed 26166481; PubMed 26386044.